The following is an entry in ClinVar:

ClinVar aggregate classification (germline): Uncertain significance. Review status: criteria provided, multiple submitters, no conflicts (2 of 4 stars). 2 submissions from 2 submitters: Uncertain significance (2). Last evaluated 2024-11-26.

Conditions:
Inborn genetic diseases. Identifiers: MedGen C0950123, MeSH D030342.

Allele frequency attached by ClinVar (database versions not stated): gnomAD exomes below 0.00001.

Submissions (2):

Ambry Genetics
Classification: Uncertain significance for Inborn genetic diseases. Last evaluated: 2024-11-26. Review status: criteria provided, single submitter. Criteria: Ambry Variant Classification Scheme 2023. Collection method: clinical testing. Allele origin: germline.
Comment: The p.T749A variant (also known as c.2245A>G), located in coding exon 1 of the SAMD9L gene, results from an A to G substitution at nucleotide position 2245. The threonine at codon 749 is replaced by alanine, an amino acid with similar properties. This amino acid position is conserved. In addition, this alteration is predicted to be deleterious by in silico analysis. Based on the available evidence, the clinical significance of this variant remains unclear.

GeneDx
Classification: Uncertain significance. Last evaluated: 2022-06-16. Review status: criteria provided, single submitter. Criteria: GeneDx Variant Classification Process June 2021. Collection method: clinical testing. Allele origin: germline. Affected: yes.
Comment: Not observed at significant frequency in large population cohorts (gnomAD); In silico analysis supports that this missense variant has a deleterious effect on protein structure/function; Has not been previously published as pathogenic or benign to our knowledge; This variant is associated with the following publications: (PMID: 28545555)

NM_152703.5(SAMD9L):c.2245A>G (p.Thr749Ala)

Gene: SAMD9L (sterile alpha motif domain containing 9 like; minus strand). Cytogenetic location: 7q21.2.
Variant type: single nucleotide variant.
Coding change: c.2245A>G on transcript NM_152703.5 (MANE Select); coding-DNA position 2245, A replaced by G.
Protein change: p.Thr749Ala; replaces threonine 749 with alanine.
Molecular consequence: missense variant.
Genome position (GRCh38, 1-based): chr7:93,133,727, T>C on the plus strand (A>G on the coding strand, the complement: SAMD9L is on the minus strand). VCF-style: chr7-93133727-T-C. GRCh37 (hg19) VCF-style: chr7-92763040-T-C.
Other names: c.2245A>G, p.Thr749Ala (NM_001303496.3, NM_001303497.3, NM_001303498.3 and 5 more transcripts); c.2245A>G (NM_152703.2); short protein forms T749A.
Identifiers: ClinVar variation 1804408 (VCV001804408.2), dbSNP rs1390835241, ClinGen allele CA368191936.